The following is an entry in ClinVar:

NM_152703.5(SAMD9L):c.3763T>C (p.Ser1255Pro)

Gene: SAMD9L (sterile alpha motif domain containing 9 like; minus strand). Cytogenetic location: 7q21.2.
Variant type: single nucleotide variant.
Coding change: c.3763T>C on transcript NM_152703.5 (MANE Select); coding-DNA position 3763, T replaced by C.
Protein change: p.Ser1255Pro; replaces serine 1255 with proline.
Molecular consequence: missense variant.
Genome position (GRCh38, 1-based): chr7:93,132,209, A>G on the plus strand (T>C on the coding strand, the complement: SAMD9L is on the minus strand). VCF-style: chr7-93132209-A-G. GRCh37 (hg19) VCF-style: chr7-92761522-A-G.
Other names: c.3763T>C, p.Ser1255Pro (NM_001303496.3, NM_001303497.3, NM_001303498.3 and 5 more transcripts); short protein forms S1255P.
Identifiers: ClinVar variation 4826180 (VCV004826180.1).
Genomic context (GRCh38, chr7:93,132,209, plus strand): 5'-TATAATCAATAAAAAAGTCAAAGCACCTTTTCAGATCTGATTGTAAATTTTTTAGGTGGG[A>G]TGTGAACTTGCTAAGAGCCAAATAACATTCATTTCTGGGATCAGGAGGAATGGTCCACTT-3'
Protein context (NP_689916.2, residues 1245-1265): ECYLALSKFT[Ser1255Pro]HLKNLQSDLK

ClinVar aggregate classification (germline): Uncertain significance (1 of 4 stars; one submission).

Conditions:
Inborn genetic diseases. Identifiers: MedGen C0950123, MeSH D030342.

gnomAD v4.1: 1 of 1,613,802 alleles (0.000062%); highest among the groups gnomAD compares: Non-Finnish European, 0.000085%; no homozygotes.

Submission:

Ambry Genetics
Classification: Uncertain significance for Inborn genetic diseases. Last evaluated: 2026-03-03. Review status: criteria provided, single submitter. Criteria: Ambry Variant Classification Scheme 2023. Collection method: clinical testing. Allele origin: germline.
Comment: The p.S1255P variant (also known as c.3763T>C), located in coding exon 1 of the SAMD9L gene, results from a T to C substitution at nucleotide position 3763. The serine at codon 1255 is replaced by proline, an amino acid with similar properties. This amino acid position is conserved. In addition, this alteration is predicted to be tolerated by in silico analysis. Based on the available evidence, the clinical significance of this variant remains unclear.